The following is an entry in ClinVar:

NM_000137.4(FAH):c.1100G>A (p.Trp367Ter)

Gene: FAH (fumarylacetoacetate hydrolase; plus strand). Cytogenetic location: 15q25.1.
Variant type: single nucleotide variant.
Coding change: c.1100G>A on transcript NM_000137.4 (MANE Select); coding-DNA position 1100, G replaced by A.
Protein change: p.Trp367Ter; replaces tryptophan 367 with a stop codon.
Molecular consequence: nonsense.
Genome position (GRCh38, 1-based): chr15:80,181,079, G>A. VCF-style: chr15-80181079-G-A. GRCh37 (hg19) VCF-style: chr15-80473421-G-A.
Other names: c.1100G>A, p.Trp367Ter (NM_001374377.1, NM_001374380.1); short protein forms W367*.
Identifiers: ClinVar variation 5020032 (VCV005020032.2).

ClinVar aggregate classification (germline): Pathogenic (1 of 4 stars; one submission).

Conditions:
Tyrosinemia type I (TYRSN1). Also called: HEPATORENAL TYROSINEMIA; Tyrosinemia type 1; Fumarylacetoacetase deficiency; Deficiency of fumarylacetoacetase; FAH DEFICIENCY. Identifiers: Orphanet 882, MedGen C0268490, MONDO:0010161, OMIM 276700. Disease mechanism: loss of function.

Submission:

Juno Genomics, Hangzhou Juno Genomics, Inc
Classification: Pathogenic for Tyrosinemia type I. Review status: criteria provided, single submitter. Criteria: ACMG Guidelines, 2015. Collection method: clinical testing. Allele origin: germline.
Comment: Absent from controls (or at extremely low frequency if recessive) in Genome Aggregation Database.;Null variant in a gene where loss of function (LOF) is a known mechanism of disease.;For recessive disorders, detected in trans with a pathogenic variant.;Patient's phenotype or family history is highly specific for a disease with a single genetic etiology.